The following is an entry in ClinVar:

ClinVar aggregate classification (germline): Conflicting classifications of pathogenicity. Review status: criteria provided, conflicting classifications (1 of 4 stars). 2 submissions from 2 submitters: Uncertain significance (1); Likely benign (1). Last evaluated 2023-11-28.

Conditions:
Cardiovascular phenotype. Identifiers: MedGen CN230736.

Allele frequency attached by ClinVar (database versions not stated): ExAC 0.00001; gnomAD 0.00001; gnomAD exomes 0.00001; TOPMed 0.00001.
gnomAD v4.1: 15 of 1,614,062 alleles (0.00093%); highest among the groups gnomAD compares: Non-Finnish European, 0.0013%; no homozygotes.

Submissions (2):

Ambry Genetics
Classification: Uncertain significance for Cardiovascular phenotype. Last evaluated: 2023-11-28. Review status: criteria provided, single submitter. Criteria: Ambry Variant Classification Scheme 2023. Collection method: clinical testing. Allele origin: germline.
Comment: The p.M3282T variant (also known as c.9845T>C), located in coding exon 41 of the AKAP9 gene, results from a T to C substitution at nucleotide position 9845. The methionine at codon 3282 is replaced by threonine, an amino acid with similar properties. This amino acid position is conserved. In addition, this alteration is predicted to be tolerated by in silico analysis. Since supporting evidence is limited at this time, the clinical significance of this alteration remains unclear.

Blueprint Genetics
Classification: Likely benign. Last evaluated: 2023-06-21. Review status: criteria provided, single submitter. Criteria: ACMG Guidelines, 2015. Collection method: clinical testing. Allele origin: germline.

NM_005751.5(AKAP9):c.9845T>C (p.Met3282Thr)

Gene: AKAP9 (A-kinase anchoring protein 9; plus strand). Cytogenetic location: 7q21.2.
Variant type: single nucleotide variant.
Coding change: c.9845T>C on transcript NM_005751.5 (MANE Select); coding-DNA position 9845, T replaced by C.
Protein change: p.Met3282Thr; replaces methionine 3282 with threonine.
Molecular consequence: missense variant.
Genome position (GRCh38, 1-based): chr7:92,096,804, T>C. VCF-style: chr7-92096804-T-C. GRCh37 (hg19) VCF-style: chr7-91726118-T-C.
Other names: c.4490T>C, p.Met1497Thr (NM_001379277.1); c.9821T>C, p.Met3274Thr (NM_147185.3); short protein forms M1497T, M3282T, M3274T.
Identifiers: ClinVar variation 1768365 (VCV001768365.3), dbSNP rs774842633, ClinGen allele CA4337855.